The following is an entry in ClinVar:

ClinVar aggregate classification (germline): Uncertain significance (1 of 4 stars; one submission).

Conditions:
Cardiovascular phenotype. Identifiers: MedGen CN230736.

Submission:

Ambry Genetics
Classification: Uncertain significance for Cardiovascular phenotype. Last evaluated: 2025-12-01. Review status: criteria provided, single submitter. Criteria: Ambry Variant Classification Scheme 2023. Collection method: clinical testing. Allele origin: germline.
Comment: The p.P1385L variant (also known as c.4154C>T), located in coding exon 15 of the AKAP9 gene, results from a C to T substitution at nucleotide position 4154. The proline at codon 1385 is replaced by leucine, an amino acid with similar properties. This amino acid position is conserved. In addition, this alteration is predicted to be tolerated by in silico analysis. Based on the available evidence, the clinical significance of this variant remains unclear.

NM_005751.5(AKAP9):c.4154C>T (p.Pro1385Leu)

Gene: AKAP9 (A-kinase anchoring protein 9; plus strand). Cytogenetic location: 7q21.2.
Variant type: single nucleotide variant.
Coding change: c.4154C>T on transcript NM_005751.5 (MANE Select); coding-DNA position 4154, C replaced by T.
Protein change: p.Pro1385Leu; replaces proline 1385 with leucine.
Molecular consequence: missense variant.
Genome position (GRCh38, 1-based): chr7:92,029,900, C>T. VCF-style: chr7-92029900-C-T. GRCh37 (hg19) VCF-style: chr7-91659214-C-T.
Other names: c.4154C>T, p.Pro1385Leu (NM_147185.3); short protein forms P1385L.
Identifiers: ClinVar variation 4613422 (VCV004613422.1).